The following is an entry in ClinVar:

NM_144687.3(NLRP12):c.-226A>G

Gene: NLRP12 (NLR family pyrin domain containing 12; minus strand). Cytogenetic location: 19q13.42.
Variant type: single nucleotide variant.
Coding change: c.-226A>G on transcript NM_144687.3; 226 bases upstream of the start codon, A replaced by G.
Molecular consequence: 5 prime UTR variant (on NM_001277129.1).
Genome position (GRCh38, 1-based): chr19:53,824,400, T>C on the plus strand (A>G on the coding strand, the complement: NLRP12 is on the minus strand). VCF-style: chr19-53824400-T-C. GRCh37 (hg19) VCF-style: chr19-54327654-T-C.
Other names: c.-226A>G (NM_001277129.1).
Identifiers: ClinVar variation 330054 (VCV000330054.33), dbSNP rs547032329, ClinGen allele CA10649055.

ClinVar aggregate classification (germline): Conflicting classifications of pathogenicity. Review status: criteria provided, conflicting classifications (1 of 4 stars). 2 submissions from 2 submitters: Uncertain significance (1); Benign (1). Last evaluated 2023-03-01.

Conditions:
Familial cold autoinflammatory syndrome 2 (FCAS2). Identifiers: Orphanet 247868, MedGen C2673198, MONDO:0012724, OMIM 611762.

Allele frequency attached by ClinVar (database versions not stated): 1000 Genomes Project 0.00020; gnomAD exomes 0.00050; 1000 Genomes Project 30x 0.00016; gnomAD 0.00057 and 0.00058; TOPMed 0.00069.
gnomAD v4.1: 302 of 557,456 alleles (0.054%); highest among the groups gnomAD compares: Middle Eastern, 0.34%; no homozygotes.

Submissions (2):

CeGaT Center for Human Genetics Tuebingen
Classification: Benign. Last evaluated: 2023-03-01. Review status: criteria provided, single submitter. Criteria: CeGaT Center For Human Genetics Tuebingen Variant Classification Criteria Version 2. Collection method: clinical testing. Allele origin: germline. Affected: yes. Observed: 2 variant alleles.
Comment: NLRP12: BS1, BS2

Illumina Laboratory Services, Illumina
Classification: Uncertain significance for Familial cold autoinflammatory syndrome 2. Last evaluated: 2018-01-13. Review status: criteria provided, single submitter. Criteria: ICSL Variant Classification Criteria 13 December 2019. Collection method: clinical testing. Allele origin: germline.